The following is an entry in ClinVar:

ClinVar aggregate classification (germline): Uncertain significance (0 of 4 stars; one submission).

Conditions:
KCNT1-related disorder. Also called: KCNT1-related condition.

Submission:

PreventionGenetics, part of Exact Sciences
Classification: Uncertain significance for KCNT1-related condition. Last evaluated: 2024-04-17. Review status: no assertion criteria provided. Collection method: clinical testing. Allele origin: germline.
Comment: The KCNT1 c.1105C>T variant is predicted to result in premature protein termination (p.Gln369*). To our knowledge, this variant has not been reported in the literature or in a large population database, indicating this variant is rare. Loss of function variants have not commonly been reported in the KCNT1 gene and are currently of uncertain clinical significance. Although we suspect that this variant may be pathogenic, at this time, the clinical significance of this variant is uncertain due to the absence of conclusive functional and genetic evidence.

NM_020822.3(KCNT1):c.1105C>T (p.Gln369Ter)

Gene: KCNT1 (potassium sodium-activated channel subfamily T member 1; plus strand). Cytogenetic location: 9q34.3.
Variant type: single nucleotide variant.
Coding change: c.1105C>T on transcript NM_020822.3 (MANE Select); coding-DNA position 1105, C replaced by T.
Protein change: p.Gln369Ter; replaces glutamine 369 with a stop codon.
Molecular consequence: nonsense.
Genome position (GRCh38, 1-based): chr9:135,765,100, C>T. VCF-style: chr9-135765100-C-T. GRCh37 (hg19) VCF-style: chr9-138656946-C-T.
Other names: c.970C>T, p.Gln324Ter (NM_001272003.2); short protein forms Q324*, Q369*.
Identifiers: ClinVar variation 3348827 (VCV003348827.1).